The following is an entry in ClinVar:

ClinVar aggregate classification (germline): Uncertain significance (1 of 4 stars; one submission).

gnomAD v4.1: 1 of 1,536,232 alleles (0.000065%); highest among the groups gnomAD compares: Non-Finnish European, 0.00009%; no homozygotes.

Submission:

Labcorp Genetics (formerly Invitae), Labcorp
Classification: Uncertain significance. Last evaluated: 2024-02-14. Review status: criteria provided, single submitter. Criteria: Invitae Variant Classification Sherloc (09022015). Collection method: clinical testing. Allele origin: germline.
Comment: This sequence change falls in intron 6 of the ASAH1 gene. It does not directly change the encoded amino acid sequence of the ASAH1 protein. This variant is not present in population databases (gnomAD no frequency). This variant has not been reported in the literature in individuals affected with ASAH1-related conditions. Algorithms developed to predict the effect of sequence changes on RNA splicing suggest that this variant may disrupt the consensus splice site. In summary, the available evidence is currently insufficient to determine the role of this variant in disease. Therefore, it has been classified as a Variant of Uncertain Significance.

NM_177924.5(ASAH1):c.457+18G>C

Gene: ASAH1 (N-acylsphingosine amidohydrolase 1; minus strand). Cytogenetic location: 8p22.
Variant type: single nucleotide variant.
Coding change: c.457+18G>C on transcript NM_177924.5 (MANE Select); 18 bases into the intron after coding-DNA position 457, G replaced by C.
Molecular consequence: intron variant.
Genome position (GRCh38, 1-based): chr8:18,064,439, C>G on the plus strand (G>C on the coding strand, the complement: ASAH1 is on the minus strand). VCF-style: chr8-18064439-C-G. GRCh37 (hg19) VCF-style: chr8-17921948-C-G.
Other names: c.505+18G>C (NM_004315.6); c.439+18G>C (NM_001127505.3); c.262+18G>C (NM_001363743.2).
Identifiers: ClinVar variation 3640730 (VCV003640730.2).